The following is an entry in ClinVar:

ClinVar aggregate classification (germline): Likely pathogenic (1 of 4 stars; one submission).

Submission:

Labcorp Genetics (formerly Invitae), Labcorp
Classification: Likely pathogenic. Last evaluated: 2022-07-04. Review status: criteria provided, single submitter. Criteria: Invitae Variant Classification Sherloc (09022015). Collection method: clinical testing. Allele origin: germline.
Comment: In summary, the currently available evidence indicates that the variant is pathogenic, but additional data are needed to prove that conclusively. Therefore, this variant has been classified as Likely Pathogenic. Algorithms developed to predict the effect of sequence changes on RNA splicing suggest that this variant may disrupt the consensus splice site. This variant has not been reported in the literature in individuals affected with CLCN5-related conditions. This variant is not present in population databases (gnomAD no frequency). This sequence change affects an acceptor splice site in intron 7 of the CLCN5 gene. It is expected to disrupt RNA splicing. Variants that disrupt the donor or acceptor splice site typically lead to a loss of protein function (PMID: 16199547), and loss-of-function variants in CLCN5 are known to be pathogenic (PMID: 22876375, 25907713).

Literature cited by the submitters: PubMed 16199547; PubMed 22876375; PubMed 25907713.

NM_001127898.4(CLCN5):c.1015-1G>A

Gene: CLCN5 (chloride voltage-gated channel 5; plus strand). Cytogenetic location: Xp11.23.
Variant type: single nucleotide variant.
Coding change: c.1015-1G>A on transcript NM_001127898.4 (MANE Select); the canonical splice acceptor site of the intron before coding-DNA position 1015, G replaced by A.
Molecular consequence: splice acceptor variant.
Genome position (GRCh38, 1-based): chrX:50,086,327, G>A. VCF-style: chrX-50086327-G-A. GRCh37 (hg19) VCF-style: chrX-49850984-G-A.
Other names: c.1015-1G>A (NM_001127899.4); c.805-1G>A (NM_000084.5); c.865-1G>A (NM_001282163.2).
Identifiers: ClinVar variation 2014057 (VCV002014057.4), dbSNP rs2519433029, ClinGen allele CA413185002.